The following is an entry in ClinVar:

NM_000368.5(TSC1):c.1031C>G (p.Ala344Gly)

Gene: TSC1 (TSC complex subunit 1; minus strand). Cytogenetic location: 9q34.13.
Variant type: single nucleotide variant.
Coding change: c.1031C>G on transcript NM_000368.5 (MANE Select); coding-DNA position 1031, C replaced by G.
Protein change: p.Ala344Gly; replaces alanine 344 with glycine.
Molecular consequence: missense variant.
Genome position (GRCh38, 1-based): chr9:132,911,112, G>C on the plus strand (C>G on the coding strand, the complement: TSC1 is on the minus strand). VCF-style: chr9-132911112-G-C. GRCh37 (hg19) VCF-style: chr9-135786499-G-C.
Other names: c.1031C>G (NM_000368.4); c.1031C>G, p.Ala344Gly (NM_001162426.2); c.878C>G, p.Ala293Gly (NM_001162427.2); c.668C>G, p.Ala223Gly (NM_001362177.2); short protein forms A223G, A293G, A344G.
Identifiers: ClinVar variation 1428528 (VCV001428528.7), dbSNP rs2131965142, ClinGen allele CA375367917.

ClinVar aggregate classification (germline): Uncertain significance. Review status: criteria provided, multiple submitters, no conflicts (2 of 4 stars). 2 submissions from 2 submitters: Uncertain significance (2). Last evaluated 2024-04-07.

Conditions:
Tuberous sclerosis 1 (TSC1). Identifiers: Orphanet 805, MedGen C1854465, MONDO:0008612, OMIM 191100.
Hereditary cancer-predisposing syndrome. Also called: Hereditary neoplastic syndrome; Tumor predisposition; Hereditary Cancer Syndrome; Neoplastic Syndromes, Hereditary. Identifiers: Orphanet 140162, MedGen C0027672, MeSH D009386, MONDO:0015356.

Submissions (2):

Ambry Genetics
Classification: Uncertain significance for Hereditary cancer-predisposing syndrome. Last evaluated: 2024-04-07. Review status: criteria provided, single submitter. Criteria: Ambry Variant Classification Scheme 2023. Collection method: clinical testing. Allele origin: germline.
Comment: The p.A344G variant (also known as c.1031C>G), located in coding exon 9 of the TSC1 gene, results from a C to G substitution at nucleotide position 1031. The alanine at codon 344 is replaced by glycine, an amino acid with similar properties. This amino acid position is conserved. In addition, this alteration is predicted to be tolerated by in silico analysis. Based on the available evidence, the clinical significance of this variant remains unclear.

Labcorp Genetics (formerly Invitae), Labcorp
Classification: Uncertain significance for Tuberous sclerosis 1. Last evaluated: 2021-09-04. Review status: criteria provided, single submitter. Criteria: Invitae Variant Classification Sherloc (09022015). Collection method: clinical testing. Allele origin: germline.
Comment: In summary, the available evidence is currently insufficient to determine the role of this variant in disease. Therefore, it has been classified as a Variant of Uncertain Significance. This variant is not present in population databases (ExAC no frequency). Algorithms developed to predict the effect of sequence changes on RNA splicing suggest that this variant may create or strengthen a splice site. Algorithms developed to predict the effect of missense changes on protein structure and function (SIFT, PolyPhen-2, Align-GVGD) all suggest that this variant is likely to be tolerated. This variant has not been reported in the literature in individuals affected with TSC1-related conditions. This sequence change replaces alanine with glycine at codon 344 of the TSC1 protein (p.Ala344Gly). The alanine residue is moderately conserved and there is a small physicochemical difference between alanine and glycine.